The following is an entry in ClinVar:

ClinVar aggregate classification (germline): Uncertain significance. Review status: criteria provided, single submitter (1 of 4 stars). 2 submissions from 2 submitters: Uncertain significance (1). 1 of the submissions does not count toward it. Last evaluated 2024-01-29.

Conditions:
Inborn genetic diseases. Identifiers: MedGen C0950123, MeSH D030342.

Allele frequency attached by ClinVar (database versions not stated): gnomAD exomes below 0.00001 and 0.00002; gnomAD 0.00001 and 0.00002; ExAC 0.00002; ESP Exome Variant Server 0.00008; TOPMed 0.00008.
gnomAD v4.1: 7 of 1,613,740 alleles (0.00043%); highest among the groups gnomAD compares: African/African-American, 0.0053%; no homozygotes.

Submissions (2):

Ambry Genetics
Classification: Uncertain significance for Inborn genetic diseases. Last evaluated: 2024-01-29. Review status: criteria provided, single submitter. Criteria: Ambry Variant Classification Scheme 2023. Collection method: clinical testing. Allele origin: germline.

Department of Pathology and Laboratory Medicine, Sinai Health System
Classification: Uncertain significance. Review status: no assertion criteria provided. Collection method: clinical testing. Allele origin: unknown. Affected: yes. Study: The Canadian Open Genetics Repository (COGR). Not counted in ClinVar's aggregate classification.
Comment: The PRPH p.Tyr287Cys variant was not identified in the literature nor was it identified in ClinVar, Cosmic or LOVD 3.0. The variant was identified in dbSNP (ID: rs372095080) and in control databases in 4 of 250640 chromosomes at a frequency of 0.000016 (Genome Aggregation Database Feb 27, 2017). The variant was observed in the following population: African in 4 of 16156 chromosomes (freq: 0.000248), while the variant was not observed in the Latino, Ashkenazi Jewish, East Asian, European (Finnish), European (non-Finnish), Other, and South Asian populations. The p.Tyr287 residue is conserved across mammals and other organisms, and computational analyses (PolyPhen-2, SIFT, AlignGVGD, BLOSUM, MutationTaster) suggest that the variant may impact the protein; however, this information is not predictive enough to assume pathogenicity. The variant occurs outside of the splicing consensus sequence and 2 of 4 in silico or computational prediction software programs (SpliceSiteFinder, GeneSplicer) predict a greater than 10% difference in splicing; this is not very predictive of pathogenicity. In summary, based on the above information the clinical significance of this variant cannot be determined with certainty at this time. This variant is classified as a variant of uncertain significance.

NM_006262.4(PRPH):c.860A>G (p.Tyr287Cys)

Genes: PRPH (peripherin; plus strand), TROAP-AS1 (TROAP and PRPH antisense RNA 1; minus strand). Cytogenetic location: 12q13.12.
Variant type: single nucleotide variant.
Coding change: c.860A>G on transcript NM_006262.4 (MANE Select); coding-DNA position 860, A replaced by G.
Protein change: p.Tyr287Cys; replaces tyrosine 287 with cysteine.
Molecular consequence: missense variant. On other transcripts: non-coding transcript variant (1).
Genome position (GRCh38, 1-based): chr12:49,297,046, A>G. VCF-style: chr12-49297046-A-G. GRCh37 (hg19) VCF-style: chr12-49690829-A-G.
Other names: c.860A>G (NM_006262.3); short protein forms Y287C.
Identifiers: ClinVar variation 1050072 (VCV001050072.2), dbSNP rs372095080, ClinGen allele CA6550959.
Genomic context (GRCh38, chr12:49,297,046, plus strand): 5'-ACATCCGCGCGCAGTACGAGAGCATCGCCGCGAAGAACCTGCAGGAGGCGGAGGAGTGGT[A>G]CAAGTCCAAGGTGCAAGAGCCGGGAGGGCCTGCGAGGCGGGACGCTGGGGTGGTGTCGCG-3'
Protein context (NP_006253.2, residues 277-297): AKNLQEAEEW[Tyr287Cys]KSKYADLSDA